The following is an entry in ClinVar:

ClinVar aggregate classification (germline): Uncertain significance. Review status: criteria provided, multiple submitters, no conflicts (2 of 4 stars). 2 submissions from 2 submitters: Uncertain significance (2). Last evaluated 2024-04-20.

Conditions:
Joubert syndrome. Also called: CEREBELLOPARENCHYMAL DISORDER IV; JOUBERT-BOLTSHAUSER SYNDROME; Familial aplasia of the vermis. Identifiers: Orphanet 475, MedGen C5979921, MONDO:0018772.
Nephronophthisis. Also called: Juvenile Nephronophthisis. Identifiers: Orphanet 655, MedGen C0687120, MONDO:0019005, HP:0000090.
Meckel-Gruber syndrome. Also called: DYSENCEPHALIA SPLANCHNOCYSTICA; GRUBER SYNDROME; Dysencephalia splachnocystica. Identifiers: Orphanet 564, MedGen C0265215, MONDO:0018921.

Submissions (2):

Labcorp Genetics (formerly Invitae), Labcorp
Classification: Uncertain significance for Joubert syndrome; Meckel-Gruber syndrome; Nephronophthisis. Last evaluated: 2024-04-20. Review status: criteria provided, single submitter. Criteria: Invitae Variant Classification Sherloc (09022015). Collection method: clinical testing. Allele origin: germline.
Comment: This sequence change replaces methionine, which is neutral and non-polar, with threonine, which is neutral and polar, at codon 1040 of the CEP290 protein (p.Met1040Thr). This variant is not present in population databases (gnomAD no frequency). This variant has not been reported in the literature in individuals affected with CEP290-related conditions. ClinVar contains an entry for this variant (Variation ID: 1677146). Advanced modeling of protein sequence and biophysical properties (such as structural, functional, and spatial information, amino acid conservation, physicochemical variation, residue mobility, and thermodynamic stability) performed at Invitae indicates that this missense variant is not expected to disrupt CEP290 protein function with a negative predictive value of 80%. In summary, the available evidence is currently insufficient to determine the role of this variant in disease. Therefore, it has been classified as a Variant of Uncertain Significance.

Women's Health and Genetics/Laboratory Corporation of America, LabCorp
Classification: Uncertain significance. Last evaluated: 2022-03-18. Review status: criteria provided, single submitter. Criteria: LabCorp Variant Classification Summary - May 2015. Collection method: clinical testing. Allele origin: germline.

NM_025114.4(CEP290):c.3119T>C (p.Met1040Thr)

Gene: CEP290 (centrosomal protein 290; minus strand). Cytogenetic location: 12q21.32.
Variant type: single nucleotide variant.
Coding change: c.3119T>C on transcript NM_025114.4 (MANE Select); coding-DNA position 3119, T replaced by C.
Protein change: p.Met1040Thr; replaces methionine 1040 with threonine.
Molecular consequence: missense variant.
Genome position (GRCh38, 1-based): chr12:88,093,960, A>G on the plus strand (T>C on the coding strand, the complement: CEP290 is on the minus strand). VCF-style: chr12-88093960-A-G. GRCh37 (hg19) VCF-style: chr12-88487737-A-G.
Other names: short protein forms M1040T.
Identifiers: ClinVar variation 1677146 (VCV001677146.3), dbSNP rs2137369505, ClinGen allele CA386006576.